The following is an entry in ClinVar:

NM_012281.3(KCND2):c.887G>A (p.Arg296Gln)

Gene: KCND2 (potassium voltage-gated channel subfamily D member 2; plus strand). Cytogenetic location: 7q31.31.
Variant type: single nucleotide variant.
Coding change: c.887G>A on transcript NM_012281.3 (MANE Select); coding-DNA position 887, G replaced by A.
Protein change: p.Arg296Gln; replaces arginine 296 with glutamine.
Molecular consequence: missense variant.
Genome position (GRCh38, 1-based): chr7:120,275,519, G>A. VCF-style: chr7-120275519-G-A. GRCh37 (hg19) VCF-style: chr7-119915573-G-A.
Other names: short protein forms R296Q.
Identifiers: ClinVar variation 3391787 (VCV003391787.2).

ClinVar aggregate classification (germline): Uncertain significance (1 of 4 stars; one submission).

Submission:

GeneDx
Classification: Uncertain significance. Last evaluated: 2025-11-05. Review status: criteria provided, single submitter. Criteria: GeneDx Variant Classification Process June 2021. Collection method: clinical testing. Allele origin: germline.
Comment: Not observed at significant frequency in large population cohorts (gnomAD); In silico analysis supports that this missense variant has a deleterious effect on protein structure/function; Has not been previously published as pathogenic or benign to our knowledge